The following is an entry in ClinVar:

ClinVar aggregate classification (germline): Benign/Likely benign. Review status: criteria provided, multiple submitters, no conflicts (2 of 4 stars). 2 submissions from 2 submitters: Benign (1); Likely benign (1). Last evaluated 2026-07-09.

Conditions:
Sessile serrated polyposis cancer syndrome (SSPCS). Identifiers: Orphanet 157798, MedGen C4310714, MONDO:0014919, OMIM 617108.

Submissions (2):

Ambry Genetics
Classification: Likely benign. Last evaluated: 2026-07-09. Review status: criteria provided, single submitter. Criteria: Ambry Variant Classification Scheme 2023. Collection method: clinical testing. Allele origin: germline.

Myriad Genetics, Inc.
Classification: Benign for Sessile serrated polyposis cancer syndrome. Last evaluated: 2026-07-02. Review status: criteria provided, single submitter. Criteria: Myriad Autosomal Dominant, Autosomal Recessive and X-Linked Classification Criteria (2023). Collection method: clinical testing. Allele origin: unknown.
Comment: This variant is considered benign. This variant is a silent/synonymous amino acid change and it is not expected to impact splicing.

NM_017763.6(RNF43):c.1998C>T (p.Gly666=)

Gene: RNF43 (ring finger protein 43; minus strand). Cytogenetic location: 17q22.
Variant type: single nucleotide variant.
Coding change: c.1998C>T on transcript NM_017763.6 (MANE Select); coding-DNA position 1998, C replaced by T.
Protein change: p.Gly666=; no amino-acid change (glycine 666 retained).
Molecular consequence: synonymous variant.
Genome position (GRCh38, 1-based): chr17:58,357,778, G>A on the plus strand (C>T on the coding strand, the complement: RNF43 is on the minus strand). VCF-style: chr17-58357778-G-A. GRCh37 (hg19) VCF-style: chr17-56435139-G-A.
Other names: c.1998C>T, p.Gly666= (NM_001305544.3, NM_001438820.1, NM_001438821.1 and 1 more transcripts); c.1617C>T, p.Gly539= (NM_001305545.2, NM_001437987.1).
Identifiers: ClinVar variation 5028332 (VCV005028332.2).